The following is an entry in ClinVar:

ClinVar aggregate classification (germline): Uncertain significance. Review status: criteria provided, multiple submitters, no conflicts (2 of 4 stars). 3 submissions from 3 submitters: Uncertain significance (3). Last evaluated 2025-07-17.

Conditions:
Inborn genetic diseases. Identifiers: MedGen C0950123, MeSH D030342.
Dyskeratosis congenita, autosomal dominant 6 (DKCA6). Identifiers: Orphanet 3322, MedGen C4225284, MONDO:0014690, OMIM 616553.
ACD-related disorder. Also called: ACD-related condition.

Allele frequency attached by ClinVar (database versions not stated): ExAC 0.00001; gnomAD 0.00001 and 0.00002; TOPMed 0.00002; 1000 Genomes Project 30x 0.00016.
gnomAD v4.1: 13 of 1,576,120 alleles (0.00082%); highest among the groups gnomAD compares: South Asian, 0.0012%; no homozygotes.

Submissions (3):

PreventionGenetics, part of Exact Sciences
Classification: Uncertain significance for ACD-related condition. Last evaluated: 2025-07-17. Review status: criteria provided, single submitter. Criteria: ACMG Guidelines, 2015. Collection method: clinical testing. Allele origin: germline.
Comment: The ACD c.1025C>T variant is predicted to result in the amino acid substitution p.Pro342Leu. To our knowledge, this variant has not been reported in the literature. This variant is reported in 0.0017% of alleles in individuals of European (Non-Finnish) descent in gnomAD. At this time, the clinical significance of this variant is uncertain due to the absence of conclusive functional and genetic evidence.

Ambry Genetics
Classification: Uncertain significance for Inborn genetic diseases. Last evaluated: 2024-06-17. Review status: criteria provided, single submitter. Criteria: Ambry Variant Classification Scheme 2023. Collection method: clinical testing. Allele origin: germline.

Labcorp Genetics (formerly Invitae), Labcorp
Classification: Uncertain significance for Dyskeratosis congenita, autosomal dominant 6. Last evaluated: 2022-06-20. Review status: criteria provided, single submitter. Criteria: Invitae Variant Classification Sherloc (09022015). Collection method: clinical testing. Allele origin: germline.
Comment: In summary, the available evidence is currently insufficient to determine the role of this variant in disease. Therefore, it has been classified as a Variant of Uncertain Significance. Algorithms developed to predict the effect of missense changes on protein structure and function output the following: SIFT: "Tolerated"; PolyPhen-2: "Benign"; Align-GVGD: "Class C0". The leucine amino acid residue is found in multiple mammalian species, which suggests that this missense change does not adversely affect protein function. ClinVar contains an entry for this variant (Variation ID: 863188). This variant has not been reported in the literature in individuals affected with ACD-related conditions. The frequency data for this variant in the population databases is considered unreliable, as metrics indicate poor data quality at this position in the gnomAD database. This sequence change replaces proline, which is neutral and non-polar, with leucine, which is neutral and non-polar, at codon 342 of the ACD protein (p.Pro342Leu).

NM_001082486.2(ACD):c.767C>T (p.Pro256Leu)

Gene: ACD (ACD shelterin complex subunit and telomerase recruitment factor; minus strand). Cytogenetic location: 16q22.1.
Variant type: single nucleotide variant.
Coding change: c.767C>T on transcript NM_001082486.2 (MANE Select); coding-DNA position 767, C replaced by T.
Protein change: p.Pro256Leu; replaces proline 256 with leucine.
Molecular consequence: missense variant.
Genome position (GRCh38, 1-based): chr16:67,658,617, G>A on the plus strand (C>T on the coding strand, the complement: ACD is on the minus strand). VCF-style: chr16-67658617-G-A. GRCh37 (hg19) VCF-style: chr16-67692520-G-A.
Other names: c.758C>T, p.Pro253Leu (NM_022914.3); short protein forms P256L, P253L.
Identifiers: ClinVar variation 863188 (VCV000863188.12), dbSNP rs754631809, ClinGen allele CA8114537.